The following is an entry in ClinVar:

NM_000143.4(FH):c.814C>T (p.Leu272Phe)

Gene: FH (fumarate hydratase; minus strand). Cytogenetic location: 1q43.
Variant type: single nucleotide variant.
Coding change: c.814C>T on transcript NM_000143.4 (MANE Select); coding-DNA position 814, C replaced by T.
Protein change: p.Leu272Phe; replaces leucine 272 with phenylalanine.
Molecular consequence: missense variant.
Genome position (GRCh38, 1-based): chr1:241,506,093, G>A on the plus strand (C>T on the coding strand, the complement: FH is on the minus strand). VCF-style: chr1-241506093-G-A. GRCh37 (hg19) VCF-style: chr1-241669393-G-A.
Other names: short protein forms L272F.
Identifiers: ClinVar variation 3278716 (VCV003278716.2).

ClinVar aggregate classification (germline): Uncertain significance (1 of 4 stars; one submission).

Conditions:
Hereditary cancer-predisposing syndrome. Also called: Hereditary neoplastic syndrome; Tumor predisposition; Neoplastic Syndromes, Hereditary; Hereditary Cancer Syndrome. Identifiers: Orphanet 140162, MedGen C0027672, MeSH D009386, MONDO:0015356.

Submission:

Ambry Genetics
Classification: Uncertain significance for Hereditary cancer-predisposing syndrome. Last evaluated: 2026-02-04. Review status: criteria provided, single submitter. Criteria: Ambry Variant Classification Scheme 2023. Collection method: clinical testing. Allele origin: germline.
Comment: The p.L272F variant (also known as c.814C>T), located in coding exon 6 of the FH gene, results from a C to T substitution at nucleotide position 814. The leucine at codon 272 is replaced by phenylalanine, an amino acid with highly similar properties. This amino acid position is conserved. In addition, this alteration is predicted to be deleterious by in silico analysis. Based on the available evidence, the clinical significance of this variant remains unclear.